The following is an entry in ClinVar:

ClinVar aggregate classification (germline): Likely benign (0 of 4 stars; one submission).

Conditions:
SMPD1-related disorder. Also called: SMPD1-related condition.

Submission:

PreventionGenetics, part of Exact Sciences
Classification: Likely benign for SMPD1-related condition. Last evaluated: 2022-08-15. Review status: no assertion criteria provided. Collection method: clinical testing. Allele origin: germline.
Comment: This variant is classified as likely benign based on ACMG/AMP sequence variant interpretation guidelines (Richards et al. 2015 PMID: 25741868, with internal and published modifications).

NM_000543.5(SMPD1):c.108GCTGGC[10] (p.Leu49_Ser50insAlaLeuAlaLeuAlaLeuAlaLeu)

Gene: SMPD1 (sphingomyelin phosphodiesterase 1; plus strand). Cytogenetic location: 11p15.4.
Variant type: Microsatellite.
Coding change: c.108GCTGGC[10] on transcript NM_000543.5 (MANE Select); ten copies in a row of the 6-base unit GCTGGC starting at c.108; the reference has six copies in a row; four copies, 24 bases duplicated.
Protein change: p.Leu49_Ser50insAlaLeuAlaLeuAlaLeuAlaLeu.
Molecular consequence: 5 prime UTR variant (on NM_001318088.2). On other transcripts: non-coding transcript variant (2).
Genome position (GRCh38, 1-based): chr11:6,390,718-6,390,741, GCTGGCGCTGGCGCTGGCGCTGGC duplicated; duplicating any 24 consecutive bases within chr11:6,390,706-6,390,741 gives the same sequence; the position shown is the placement nearest the transcript's 3' end. VCF-style (leftmost placement, unchanged base first): chr11-6390705-T-TGCTGGCGCTGGCGCTGGCGCTGGC. GRCh37 (hg19) VCF-style: chr11-6411935-T-TGCTGGCGCTGGCGCTGGCGCTGGC.
Other names: c.108GCTGGC[10], p.Leu49_Ser50insAlaLeuAlaLeuAlaLeuAlaLeu (NM_001007593.3, NM_001318087.2, NM_001365135.2); c.-854GCTGGC[10] (NM_001318088.2).
Identifiers: ClinVar variation 3049324 (VCV003049324.2), dbSNP rs3838786, ClinGen allele CA2740093596.